The following is an entry in ClinVar:

NM_005996.4(TBX3):c.1244C>T (p.Ser415Leu)

Gene: TBX3 (T-box transcription factor 3; minus strand). Cytogenetic location: 12q24.21.
Variant type: single nucleotide variant.
Coding change: c.1244C>T on transcript NM_005996.4 (MANE Select); coding-DNA position 1244, C replaced by T.
Protein change: p.Ser415Leu; replaces serine 415 with leucine.
Molecular consequence: missense variant.
Genome position (GRCh38, 1-based): chr12:114,674,631, G>A on the plus strand (C>T on the coding strand, the complement: TBX3 is on the minus strand). VCF-style: chr12-114674631-G-A. GRCh37 (hg19) VCF-style: chr12-115112436-G-A.
Other names: c.1244C>T (NM_005996.3); c.1304C>T, p.Ser435Leu (NM_016569.4); c.1304C>T (NM_016569.3); short protein forms S435L, S415L.
Identifiers: ClinVar variation 1955554 (VCV001955554.8), dbSNP rs369654422, ClinGen allele CA6809956.

ClinVar aggregate classification (germline): Conflicting classifications of pathogenicity. Review status: criteria provided, conflicting classifications (1 of 4 stars). 3 submissions from 3 submitters: Uncertain significance (1); Likely benign (1). 1 of the submissions does not count toward it. Last evaluated 2025-12-22.

Conditions:
TBX3-related disorder. Also called: TBX3-related condition.
Inborn genetic diseases. Identifiers: MedGen C0950123, MeSH D030342.
Ulnar-mammary syndrome (UMS). Also called: Ulnar-mammary syndrome of Pallister; PALLISTER ULNAR-MAMMARY SYNDROME; SCHINZEL SYNDROME. Identifiers: Orphanet 3138, MedGen C1866994, MONDO:0008411, OMIM 181450.

Allele frequency attached by ClinVar (database versions not stated): gnomAD exomes 0.00003; ExAC 0.00004; gnomAD 0.00005; TOPMed 0.00005; ESP Exome Variant Server 0.00008.
gnomAD v4.1: 54 of 1,606,046 alleles (0.0034%); highest among the groups gnomAD compares: African/African-American, 0.0013%; no homozygotes.

Submissions (3):

Labcorp Genetics (formerly Invitae), Labcorp
Classification: Likely benign for Ulnar-mammary syndrome. Last evaluated: 2025-12-22. Review status: criteria provided, single submitter. Criteria: Invitae Variant Classification Sherloc (09022015). Collection method: clinical testing. Allele origin: germline.

Ambry Genetics
Classification: Uncertain significance for Inborn genetic diseases. Last evaluated: 2023-08-21. Review status: criteria provided, single submitter. Criteria: Ambry Variant Classification Scheme 2023. Collection method: clinical testing. Allele origin: germline.

PreventionGenetics, part of Exact Sciences
Classification: Likely benign for TBX3-related condition. Last evaluated: 2021-10-09. Review status: no assertion criteria provided. Collection method: clinical testing. Allele origin: germline. Not counted in ClinVar's aggregate classification.
Comment: This variant is classified as likely benign based on ACMG/AMP sequence variant interpretation guidelines (Richards et al. 2015 PMID: 25741868, with internal and published modifications).